The following is an entry in ClinVar:

ClinVar aggregate classification (germline): Benign/Likely benign. Review status: criteria provided, multiple submitters, no conflicts (2 of 4 stars). 4 submissions from 4 submitters: Benign (1); Likely benign (2). 1 of the submissions does not count toward it. Last evaluated 2026-09-01.

Conditions:
HCN2-related disorder. Also called: HCN2-related condition.

Allele frequency attached by ClinVar (database versions not stated): 1000 Genomes Project 30x 0.00234; 1000 Genomes Project 0.00280.
gnomAD v4.1: 1,863 of 1,612,242 alleles (0.12%); highest among the groups gnomAD compares: South Asian, 0.91%; 20 homozygotes.

Submissions (4):

CeGaT Center for Human Genetics Tuebingen
Classification: Likely benign. Last evaluated: 2026-09-01. Review status: criteria provided, single submitter. Criteria: CeGaT Center For Human Genetics Tuebingen Variant Classification Criteria Version 2. Collection method: clinical testing. Allele origin: germline. Affected: yes. Observed: 2 variant alleles.
Comment: HCN2: BP4, BP7, BS2

Blueprint Genetics
Classification: Likely benign. Last evaluated: 2024-11-27. Review status: criteria provided, single submitter. Criteria: ACMG Guidelines, 2015. Collection method: clinical testing. Allele origin: germline.

Labcorp Genetics (formerly Invitae), Labcorp
Classification: Benign. Last evaluated: 2018-03-07. Review status: criteria provided, single submitter. Criteria: Invitae Variant Classification Sherloc (09022015). Collection method: clinical testing. Allele origin: germline.

PreventionGenetics, part of Exact Sciences
Classification: Benign for HCN2-related condition. Last evaluated: 2024-03-27. Review status: no assertion criteria provided. Collection method: clinical testing. Allele origin: germline. Not counted in ClinVar's aggregate classification.
Comment: This variant is classified as benign based on ACMG/AMP sequence variant interpretation guidelines (Richards et al. 2015 PMID: 25741868, with internal and published modifications).

NM_001194.4(HCN2):c.1239G>A (p.Leu413=)

Gene: HCN2 (hyperpolarization activated cyclic nucleotide gated potassium and sodium channel 2; plus strand). Cytogenetic location: 19p13.3.
Variant type: single nucleotide variant.
Coding change: c.1239G>A on transcript NM_001194.4 (MANE Select); coding-DNA position 1239, G replaced by A.
Protein change: p.Leu413=; no amino-acid change (leucine 413 retained).
Molecular consequence: synonymous variant.
Genome position (GRCh38, 1-based): chr19:607,984, G>A. VCF-style: chr19-607984-G-A. GRCh37 (hg19) VCF-style: chr19-607984-G-A.
Identifiers: ClinVar variation 769444 (VCV000769444.9), dbSNP rs3752158, ClinGen allele CA9018402.